The following is an entry in ClinVar:

NM_001386140.1(MTTP):c.1990-3C>T

Gene: MTTP (microsomal triglyceride transfer protein; plus strand). Cytogenetic location: 4q23.
Variant type: single nucleotide variant.
Coding change: c.1990-3C>T on transcript NM_001386140.1 (MANE Select); 3 bases into the intron before coding-DNA position 1990, C replaced by T.
Molecular consequence: intron variant.
Genome position (GRCh38, 1-based): chr4:99,612,910, C>T. VCF-style: chr4-99612910-C-T. GRCh37 (hg19) VCF-style: chr4-100534067-C-T.
Other names: c.1990-3C>T (NM_000253.4); c.1741-3C>T (NM_001300785.2).
Identifiers: ClinVar variation 1511004 (VCV001511004.6), dbSNP rs2110233072, ClinGen allele CA645520130.

ClinVar aggregate classification (germline): Uncertain significance (1 of 4 stars; one submission).

Submission:

Labcorp Genetics (formerly Invitae), Labcorp
Classification: Uncertain significance. Last evaluated: 2022-10-31. Review status: criteria provided, single submitter. Criteria: Invitae Variant Classification Sherloc (09022015). Collection method: clinical testing. Allele origin: germline.
Comment: In summary, the available evidence is currently insufficient to determine the role of this variant in disease. Therefore, it has been classified as a Variant of Uncertain Significance. Variants that disrupt the consensus splice site are a relatively common cause of aberrant splicing (PMID: 17576681, 9536098). Algorithms developed to predict the effect of sequence changes on RNA splicing suggest that this variant is not likely to affect RNA splicing. ClinVar contains an entry for this variant (Variation ID: 1511004). This variant has not been reported in the literature in individuals affected with MTTP-related conditions. This variant is not present in population databases (gnomAD no frequency). This sequence change falls in intron 15 of the MTTP gene. It does not directly change the encoded amino acid sequence of the MTTP protein. It affects a nucleotide within the consensus splice site.

Literature cited by the submitters: PubMed 17576681; PubMed 9536098.